The following is an entry in ClinVar:

NM_004260.4(RECQL4):c.118+2T>C

Genes: RECQL4 (RecQ like helicase 4; minus strand), LOC130001411 (ATAC-STARR-seq lymphoblastoid silent region 19699; plus strand). Cytogenetic location: 8q24.3.
Variant type: single nucleotide variant.
Coding change: c.118+2T>C on transcript NM_004260.4 (MANE Select); the canonical splice donor site of the intron after coding-DNA position 118, T replaced by C.
Molecular consequence: splice donor variant. On other transcripts: intron variant (1).
Genome position (GRCh38, 1-based): chr8:144,517,600, A>G on the plus strand (T>C on the coding strand, the complement: RECQL4 is on the minus strand). VCF-style: chr8-144517600-A-G. GRCh37 (hg19) VCF-style: chr8-145742984-A-G.
Other names: c.84+101T>C (NM_001413025.1); c.118+2T>C (NM_001413029.1, NM_001413017.1, NM_001413020.1 and 5 more transcripts); c.-913+2T>C (NM_001413032.1); c.-851+2T>C (NM_001413035.1, NM_001413024.1); c.-1016+2T>C (NM_001413027.1, NM_001413031.1, NM_001413030.1 and 1 more transcripts); c.-859+2T>C (NM_001413040.1); c.-603+2T>C (NM_001413021.1); c.-679+2T>C (NM_001413028.1); and 3 more.
Identifiers: ClinVar variation 645728 (VCV000645728.6), dbSNP rs1586834813, ClinGen allele CA372693330.

ClinVar aggregate classification (germline): Likely pathogenic (1 of 4 stars; one submission).

Conditions:
Baller-Gerold syndrome (BGS). Also called: CRANIOSYNOSTOSIS WITH RADIAL DEFECTS. Identifiers: Orphanet 1225, MedGen C0265308, MONDO:0009039, OMIM 218600.

Submission:

Labcorp Genetics (formerly Invitae), Labcorp
Classification: Likely pathogenic for Baller-Gerold syndrome. Last evaluated: 2018-10-04. Review status: criteria provided, single submitter. Criteria: Invitae Variant Classification Sherloc (09022015). Collection method: clinical testing. Allele origin: germline.
Comment: Donor and acceptor splice site variants typically lead to a loss of protein function (PMID: 16199547), and loss-of-function variants in RECQL4 are known to be pathogenic (PMID: 12734318, 12952869). In summary, the currently available evidence indicates that the variant is pathogenic, but additional data are needed to prove that conclusively. Therefore, this variant has been classified as Likely Pathogenic. This variant has not been reported in the literature in individuals with RECQL4-related disease. The frequency data for this variant in the population databases is considered unreliable, as metrics indicate insufficient coverage at this position in the ExAC database. This sequence change affects donor splice site in intron 2 of the RECQL4 gene. It is expected to disrupt RNA splicing and likely results in an absent or disrupted protein product.

Literature cited by the submitters: PubMed 16199547; PubMed 12734318; PubMed 12952869.